The following is an entry in ClinVar:

ClinVar aggregate classification (germline): Uncertain significance. Review status: criteria provided, multiple submitters, no conflicts (2 of 4 stars). 3 submissions from 3 submitters: Uncertain significance (3). Last evaluated 2025-12-15.

Conditions:
Inborn genetic diseases. Identifiers: MedGen C0950123, MeSH D030342.

Allele frequency attached by ClinVar (database versions not stated): gnomAD exomes below 0.00001 and 0.00001; ExAC 0.00001.
gnomAD v4.1: 6 of 1,613,142 alleles (0.00037%); highest among the groups gnomAD compares: Admixed American, 0.005%; no homozygotes.

Submissions (3):

Labcorp Genetics (formerly Invitae), Labcorp
Classification: Uncertain significance. Last evaluated: 2025-12-15. Review status: criteria provided, single submitter. Criteria: Invitae Variant Classification Sherloc (09022015). Collection method: clinical testing. Allele origin: germline.
Comment: This sequence change replaces aspartic acid, which is acidic and polar, with asparagine, which is neutral and polar, at codon 45 of the COL11A2 protein (p.Asp45Asn). This variant is present in population databases (rs776686881, gnomAD 0.009%). This variant has not been reported in the literature in individuals affected with COL11A2-related conditions. ClinVar contains an entry for this variant (Variation ID: 1413108). Invitae Evidence Modeling of protein sequence and biophysical properties (such as structural, functional, and spatial information, amino acid conservation, physicochemical variation, residue mobility, and thermodynamic stability) indicates that this missense variant is not expected to disrupt COL11A2 protein function with a negative predictive value of 95%. In summary, the available evidence is currently insufficient to determine the role of this variant in disease. Therefore, it has been classified as a Variant of Uncertain Significance.

GeneDx
Classification: Uncertain significance. Last evaluated: 2025-07-09. Review status: criteria provided, single submitter. Criteria: GeneDx Variant Classification Process June 2021. Collection method: clinical testing. Allele origin: germline. Affected: yes.
Comment: In silico analysis supports that this missense variant has a deleterious effect on protein structure/function; Has not been previously published as pathogenic or benign to our knowledge

Ambry Genetics
Classification: Uncertain significance for Inborn genetic diseases. Last evaluated: 2024-05-15. Review status: criteria provided, single submitter. Criteria: Ambry Variant Classification Scheme 2023. Collection method: clinical testing. Allele origin: germline.

NM_080680.3(COL11A2):c.133G>A (p.Asp45Asn)

Gene: COL11A2 (collagen type XI alpha 2 chain; minus strand). Cytogenetic location: 6p21.32.
Variant type: single nucleotide variant.
Coding change: c.133G>A on transcript NM_080680.3 (MANE Select); coding-DNA position 133, G replaced by A.
Protein change: p.Asp45Asn; replaces aspartic acid 45 with asparagine.
Molecular consequence: missense variant.
Genome position (GRCh38, 1-based): chr6:33,189,419, C>T on the plus strand (G>A on the coding strand, the complement: COL11A2 is on the minus strand). VCF-style: chr6-33189419-C-T. GRCh37 (hg19) VCF-style: chr6-33157196-C-T.
Other names: c.133G>A (NM_080680.2); c.133G>A, p.Asp45Asn (NM_001163771.2, NM_080679.3, NM_080681.3); short protein forms D45N.
Identifiers: ClinVar variation 1413108 (VCV001413108.7), dbSNP rs776686881, ClinGen allele CA3751748.